The following is an entry in ClinVar:

ClinVar aggregate classification (germline): Benign/Likely benign. Review status: criteria provided, multiple submitters, no conflicts (2 of 4 stars). 5 submissions from 5 submitters: Benign (3); Likely benign (2). Last evaluated 2025-10-06.

Conditions:
Hyper-IgE recurrent infection syndrome 1, autosomal dominant. Also called: Job's Syndrome; JOB SYNDROME; Hyper-IgE recurrent infection syndrome 1; STAT3 Hyper IgE Syndrome; HYPER-IgE SYNDROME 1, AUTOSOMAL DOMINANT, WITH RECURRENT INFECTIONS. Identifiers: Orphanet 2314, MedGen C2936739, MONDO:0007818, OMIM 147060.
STAT3 gain of function. Identifiers: MedGen C4288261.

Allele frequency attached by ClinVar (database versions not stated): gnomAD exomes 0.00005 and 0.00013; ExAC 0.00021; gnomAD 0.00052 and 0.00054; TOPMed 0.00057; ESP Exome Variant Server 0.00062.
gnomAD v4.1: 156 of 1,613,932 alleles (0.0097%); highest among the groups gnomAD compares: African/African-American, 0.17%; 1 homozygote.

Submissions (5):

Labcorp Genetics (formerly Invitae), Labcorp
Classification: Benign for STAT3 gain of function; Hyper-IgE recurrent infection syndrome 1, autosomal dominant. Last evaluated: 2025-10-06. Review status: criteria provided, single submitter. Criteria: Invitae Variant Classification Sherloc (09022015). Collection method: clinical testing. Allele origin: germline.

Mayo Clinic Laboratories, Mayo Clinic
Classification: Likely benign. Last evaluated: 2025-02-25. Review status: criteria provided, single submitter. Criteria: ACMG Guidelines, 2015. Collection method: clinical testing. Allele origin: germline. Observed: 2 variant alleles.
Comment: BS1, BP4, BP7

Blueprint Genetics
Classification: Likely benign. Last evaluated: 2022-07-13. Review status: criteria provided, single submitter. Criteria: ACMG Guidelines, 2015. Collection method: clinical testing. Allele origin: germline.

Women's Health and Genetics/Laboratory Corporation of America, LabCorp
Classification: Benign. Last evaluated: 2020-01-31. Review status: criteria provided, single submitter. Criteria: LabCorp Variant Classification Summary - May 2015. Collection method: clinical testing. Allele origin: germline.

GeneDx
Classification: Benign. Last evaluated: 2015-09-11. Review status: criteria provided, single submitter. Criteria: GeneDx Variant Classification (06012015). Collection method: clinical testing. Allele origin: germline. Affected: yes.
Comment: This variant is considered likely benign or benign based on one or more of the following criteria: it is a conservative change, it occurs at a poorly conserved position in the protein, it is predicted to be benign by multiple in silico algorithms, and/or has population frequency not consistent with disease.

NM_139276.3(STAT3):c.2281T>C (p.Leu761=)

Gene: STAT3 (signal transducer and activator of transcription 3; minus strand). Cytogenetic location: 17q21.2.
Variant type: single nucleotide variant.
Coding change: c.2281T>C on transcript NM_139276.3 (MANE Select); coding-DNA position 2281, T replaced by C.
Protein change: p.Leu761=; no amino-acid change (leucine 761 retained).
Molecular consequence: synonymous variant. On other transcripts: 3 prime UTR variant (7).
Genome position (GRCh38, 1-based): chr17:42,315,777, A>G on the plus strand (T>C on the coding strand, the complement: STAT3 is on the minus strand). VCF-style: chr17-42315777-A-G. GRCh37 (hg19) VCF-style: chr17-40467795-A-G.
Other names: p.Leu761=; c.2281T>C, p.Leu761= (NM_001369512.1, NM_001369513.1); c.2278T>C, p.Leu760= (NM_001369514.1, NM_001369516.1, NM_003150.4); c.*62T>C (NM_001369517.1, NM_001369518.1, NM_001369519.1 and 4 more transcripts); c.2197T>C, p.Leu733= (NM_001384984.1); c.2203T>C, p.Leu735= (NM_001384985.1); c.2260T>C, p.Leu754= (NM_001384987.1); c.2185T>C, p.Leu729= (NM_001384988.1); and 4 more.
Identifiers: ClinVar variation 378673 (VCV000378673.15), dbSNP rs142236792, ClinGen allele CA8575094.